The following is an entry in ClinVar:

ClinVar aggregate classification (germline): Uncertain significance. Review status: criteria provided, multiple submitters, no conflicts (2 of 4 stars). 2 submissions from 2 submitters: Uncertain significance (2). Last evaluated 2025-10-09.

Conditions:
Inborn genetic diseases. Identifiers: MedGen C0950123, MeSH D030342.

gnomAD v4.1: 5 of 1,604,856 alleles (0.00031%); highest among the groups gnomAD compares: African/African-American, 0.0054%; no homozygotes.

Submissions (2):

Labcorp Genetics (formerly Invitae), Labcorp
Classification: Uncertain significance. Last evaluated: 2025-10-09. Review status: criteria provided, single submitter. Criteria: Invitae Variant Classification Sherloc (09022015). Collection method: clinical testing. Allele origin: germline.
Comment: This sequence change replaces glutamic acid, which is acidic and polar, with lysine, which is basic and polar, at codon 224 of the ANKRD26 protein (p.Glu224Lys). This variant is present in population databases (no rsID available, gnomAD 0.01%). This variant has not been reported in the literature in individuals affected with ANKRD26-related conditions. ClinVar contains an entry for this variant (Variation ID: 3716133). An algorithm developed to predict the effect of missense changes on protein structure and function (PolyPhen-2) suggests that this variant is likely to be tolerated. Algorithms developed to predict the effect of sequence changes on RNA splicing suggest that this variant may disrupt the consensus splice site. In summary, the available evidence is currently insufficient to determine the role of this variant in disease. Therefore, it has been classified as a Variant of Uncertain Significance.

Ambry Genetics
Classification: Uncertain significance for Inborn genetic diseases. Last evaluated: 2025-03-20. Review status: criteria provided, single submitter. Criteria: Ambry Variant Classification Scheme 2023. Collection method: clinical testing. Allele origin: germline.
Comment: The p.E224K variant (also known as c.670G>A), located in coding exon 5 of the ANKRD26 gene, results from a G to A substitution at nucleotide position 670. The glutamic acid at codon 224 is replaced by lysine, an amino acid with similar properties. This amino acid position is conserved. In addition, this alteration is predicted to be tolerated by in silico analysis. Based on the available evidence, the clinical significance of this variant remains unclear.

NM_014915.3(ANKRD26):c.670G>A (p.Glu224Lys)

Gene: ANKRD26 (ankyrin repeat domain 26; minus strand). Cytogenetic location: 10p12.1.
Variant type: single nucleotide variant.
Coding change: c.670G>A on transcript NM_014915.3 (MANE Select); coding-DNA position 670, G replaced by A.
Protein change: p.Glu224Lys; replaces glutamic acid 224 with lysine.
Molecular consequence: missense variant.
Genome position (GRCh38, 1-based): chr10:27,086,578, C>T on the plus strand (G>A on the coding strand, the complement: ANKRD26 is on the minus strand). VCF-style: chr10-27086578-C-T. GRCh37 (hg19) VCF-style: chr10-27375507-C-T.
Other names: c.670G>A, p.Glu224Lys (NM_001256053.2); short protein forms E224K.
Identifiers: ClinVar variation 3716133 (VCV003716133.3).
Genomic context (GRCh38, chr10:27,086,578, plus strand): 5'-ATTCACTATTGGAAGTCTTACCTGAATTACTATTTTGAGAAGAATGTTTAGGTATCCTTT[C>T]TTCTTTATATTCTGAAATTAGTTGGTGACTGCTATGTATAGAAAAATGTAACAAAATTAT-3'
Protein context (NP_055730.2, residues 214-234): SHQLISEYKE[Glu224Lys]RIPKHSSQNS